The following is an entry in ClinVar:

ClinVar aggregate classification (germline): Likely benign (1 of 4 stars; one submission).

gnomAD v4.1: 2,083 of 1,614,228 alleles (0.13%); highest among the groups gnomAD compares: East Asian, 0.15%; 7 homozygotes.

Submission:

CeGaT Center for Human Genetics Tuebingen
Classification: Likely benign. Last evaluated: 2025-02-01. Review status: criteria provided, single submitter. Criteria: CeGaT Center For Human Genetics Tuebingen Variant Classification Criteria Version 2. Collection method: clinical testing. Allele origin: germline. Affected: yes. Observed: 1 variant allele.
Comment: RGS3: BP4

NM_001394167.1(RGS3):c.84G>C (p.Gln28His)

Gene: RGS3 (regulator of G protein signaling 3; plus strand). Cytogenetic location: 9q32.
Variant type: single nucleotide variant.
Coding change: c.84G>C on transcript NM_001394167.1 (MANE Select); coding-DNA position 84, G replaced by C.
Protein change: p.Gln28His; replaces glutamine 28 with histidine.
Molecular consequence: missense variant. On other transcripts: 5 prime UTR variant (1).
Genome position (GRCh38, 1-based): chr9:113,479,495, G>C. VCF-style: chr9-113479495-G-C. GRCh37 (hg19) VCF-style: chr9-116241775-G-C.
Other names: c.-17G>C (NM_001282923.2); c.84G>C, p.Gln28His (NM_017790.6); c.108G>C, p.Gln36His (NM_144488.8); short protein forms Q28H, Q36H.
Identifiers: ClinVar variation 3770563 (VCV003770563.13).